The following is an entry in ClinVar:

NM_000466.3(PEX1):c.1663T>C (p.Ser555Pro)

Gene: PEX1 (peroxisomal biogenesis factor 1; minus strand). Cytogenetic location: 7q21.2.
Variant type: single nucleotide variant.
Coding change: c.1663T>C on transcript NM_000466.3 (MANE Select); coding-DNA position 1663, T replaced by C.
Protein change: p.Ser555Pro; replaces serine 555 with proline.
Molecular consequence: missense variant.
Genome position (GRCh38, 1-based): chr7:92,509,336, A>G on the plus strand (T>C on the coding strand, the complement: PEX1 is on the minus strand). VCF-style: chr7-92509336-A-G. GRCh37 (hg19) VCF-style: chr7-92138650-A-G.
Other names: c.1663T>C (NM_000466.2); c.1663T>C, p.Ser555Pro (NM_001282677.2); c.1039T>C, p.Ser347Pro (NM_001282678.2); short protein forms S347P, S555P.
Identifiers: ClinVar variation 1405492 (VCV001405492.4), dbSNP rs773827098, ClinGen allele CA4341344.

ClinVar aggregate classification (germline): Conflicting classifications of pathogenicity. Review status: criteria provided, conflicting classifications (1 of 4 stars). 3 submissions from 3 submitters: Likely pathogenic (1); Uncertain significance (2). Last evaluated 2023-10-02.

Conditions:
PEX1-related disorder. Also called: PEX1-related condition.
Zellweger spectrum disorders (ZS). Also called: Zellweger syndrome; Zellweger Spectrum Disorder; Zellweger Spectrum; Zellweger Spectrum Disorder (ZSD). Identifiers: Orphanet 912, MedGen C0043459, MONDO:0019609.

Allele frequency attached by ClinVar (database versions not stated): gnomAD exomes below 0.00001 and 0.00003; TOPMed below 0.00001; ExAC 0.00001.
gnomAD v4.1: 44 of 1,610,446 alleles (0.0027%); highest among the groups gnomAD compares: Non-Finnish European, 0.0036%; no homozygotes.

Submissions (3):

Blueprint Genetics
Classification: Likely pathogenic for PEX1-related disorders. Last evaluated: 2023-10-02. Review status: criteria provided, single submitter. Criteria: ACMG Guidelines, 2015. Collection method: clinical testing. Allele origin: germline. Affected: yes. Observed: 4 variant alleles.

Women's Health and Genetics/Laboratory Corporation of America, LabCorp
Classification: Uncertain significance. Last evaluated: 2023-04-04. Review status: criteria provided, single submitter. Criteria: LabCorp Variant Classification Summary - May 2015. Collection method: clinical testing. Allele origin: germline.
Comment: Variant summary: PEX1 c.1663T>C (p.Ser555Pro) results in a non-conservative amino acid change in the encoded protein sequence. Three of five in-silico tools predict a benign effect of the variant on protein function. The variant allele was found at a frequency of 4e-06 in 251126 control chromosomes (gnomAD). The available data on variant occurrences in the general population are insufficient to allow any conclusion about variant significance. c.1663T>C has been reported in the literature in the compound heterozygous state in an individual affected with Heimler Syndrome and in an individual affected with Zellweger Syndrome (Berendse_2016, Daich Varela_2020). These data do not allow any strong conclusion about variant significance. To our knowledge, no experimental evidence demonstrating an impact on protein function has been reported. One clinical diagnostic laboratory has submitted a clinical-significance assessment for this variant to ClinVar after 2014 and classified the variant as uncertain significance. Based on the evidence outlined above, the variant was classified as uncertain significance.

Labcorp Genetics (formerly Invitae), Labcorp
Classification: Uncertain significance for Zellweger spectrum disorders. Last evaluated: 2021-12-15. Review status: criteria provided, single submitter. Criteria: Invitae Variant Classification Sherloc (09022015). Collection method: clinical testing. Allele origin: germline.
Comment: This sequence change replaces serine, which is neutral and polar, with proline, which is neutral and non-polar, at codon 555 of the PEX1 protein (p.Ser555Pro). This variant is present in population databases (rs773827098, gnomAD 0.0009%). This missense change has been observed in individual(s) with PEX1-related conditions (PMID: 21031596, 32866347). Algorithms developed to predict the effect of missense changes on protein structure and function (SIFT, PolyPhen-2, Align-GVGD) all suggest that this variant is likely to be tolerated. In summary, the available evidence is currently insufficient to determine the role of this variant in disease. Therefore, it has been classified as a Variant of Uncertain Significance.

Literature cited by the submitters: PubMed 21031596 (cited by Women's Health and Genetics/Laboratory Corporation of America, LabCorp and Labcorp Genetics (formerly Invitae), Labcorp); PubMed 27469511 (cited by Women's Health and Genetics/Laboratory Corporation of America, LabCorp); PubMed 32866347 (cited by Women's Health and Genetics/Laboratory Corporation of America, LabCorp and Labcorp Genetics (formerly Invitae), Labcorp); PubMed 28857144 (cited by Women's Health and Genetics/Laboratory Corporation of America, LabCorp).